The following is an entry in ClinVar:

ClinVar aggregate classification (germline): Benign. Review status: criteria provided, multiple submitters, no conflicts (2 of 4 stars). 5 submissions from 5 submitters: Benign (4). 1 of the submissions does not count toward it. Last evaluated 2026-02-04.

Conditions:
Stuve-Wiedemann syndrome (STWS). Also called: Stüve-Wiedemann syndrome. Identifiers: Orphanet 3206, MedGen C0796176, MONDO:0031280.

Allele frequency attached by ClinVar (database versions not stated): ESP Exome Variant Server 0.00138; gnomAD exomes 0.00832 and 0.02201; gnomAD 0.00852 and 0.01164; TOPMed 0.01244; ExAC 0.02093; 1000 Genomes Project 30x 0.04809; 1000 Genomes Project 0.05252.
gnomAD v4.1: 14,327 of 1,613,952 alleles (0.89%); highest among the groups gnomAD compares: East Asian, 25%; 1,472 homozygotes.

Submissions (5):

Labcorp Genetics (formerly Invitae), Labcorp
Classification: Benign. Last evaluated: 2026-02-04. Review status: criteria provided, single submitter. Criteria: Invitae Variant Classification Sherloc (09022015). Collection method: clinical testing. Allele origin: germline.

GeneDx
Classification: Benign. Last evaluated: 2018-09-29. Review status: criteria provided, single submitter. Criteria: GeneDx Variant Classification Process June 2021. Collection method: clinical testing. Allele origin: germline. Affected: yes.

Illumina Laboratory Services, Illumina
Classification: Benign for Stüve-Wiedemann syndrome 1. Last evaluated: 2018-01-13. Review status: criteria provided, single submitter. Criteria: ICSL Variant Classification Criteria 13 December 2019. Collection method: clinical testing. Allele origin: germline.
Comment: This variant was observed in the ICSL laboratory as part of a predisposition screen in an ostensibly healthy population. It had not been previously curated by ICSL or reported in the Human Gene Mutation Database (HGMD: prior to June 1st, 2018), and was therefore a candidate for classification through an automated scoring system. Utilizing variant allele frequency, disease prevalence and penetrance estimates, and inheritance mode, an automated score was calculated to assess if this variant is too frequent to cause the disease. Based on the score and internal cut-off values, a variant classified as benign is not then subjected to further curation. The score for this variant resulted in a classification of benign for this disease.

Breakthrough Genomics
Classification: Benign. Review status: criteria provided, single submitter. Criteria: ACMG Guidelines, 2015. Collection method: not provided. Allele origin: germline. Inheritance: Autosomal recessive inheritance. Affected: yes.

Natera, Inc.
Classification: Benign for Stuve-Wiedemann syndrome. Last evaluated: 2019-12-02. Review status: no assertion criteria provided. Collection method: clinical testing. Allele origin: germline. Not counted in ClinVar's aggregate classification.

NM_001127671.2(LIFR):c.1732G>A (p.Asp578Asn)

Gene: LIFR (LIF receptor subunit alpha; minus strand). Cytogenetic location: 5p13.1.
Variant type: single nucleotide variant.
Coding change: c.1732G>A on transcript NM_001127671.2 (MANE Select); coding-DNA position 1732, G replaced by A.
Protein change: p.Asp578Asn; replaces aspartic acid 578 with asparagine.
Molecular consequence: missense variant.
Genome position (GRCh38, 1-based): chr5:38,496,535, C>T on the plus strand (G>A on the coding strand, the complement: LIFR is on the minus strand). VCF-style: chr5-38496535-C-T. GRCh37 (hg19) VCF-style: chr5-38496637-C-T.
Other names: c.1732G>A, p.Asp578Asn (NM_001364297.2, NM_001364298.2, NM_002310.6); short protein forms D578N.
Identifiers: ClinVar variation 353625 (VCV000353625.20), dbSNP rs3729740, ClinGen allele CA3242849.
Genomic context (GRCh38, chr5:38,496,535, plus strand): 5'-GTCGTATCTCTGCTTTGTGCTGAGGATCAGGGATTTCAGAAAGGGACTGTGTTTCCTCAT[C>T]TGATGAACACGATACATTGTAGGAAAGTATTTTTCCATTAGCTTCATTAATGGGTAAAGG-3'
Protein context (NP_001121143.1, residues 568-588): ILSYNVSCSS[Asp578Asn]EETQSLSEIP